The following is an entry in ClinVar:

ClinVar aggregate classification (germline): Benign. Review status: criteria provided, multiple submitters, no conflicts (2 of 4 stars). 4 submissions from 4 submitters: Benign (4). Last evaluated 2026-02-03.

Conditions:
Infantile liver failure syndrome 3. Identifiers: MedGen C5231437, MONDO:0032844, OMIM 618641.

Allele frequency attached by ClinVar (database versions not stated): gnomAD exomes 0.07957; ExAC 0.08092; gnomAD 0.10500 and 0.10655; ESP Exome Variant Server 0.11056; TOPMed 0.11142; 1000 Genomes Project 0.12440; 1000 Genomes Project 30x 0.12867.
gnomAD v4.1: 109,361 of 1,612,222 alleles (6.8%); highest among the groups gnomAD compares: African/African-American, 21%; 4,761 homozygotes.

Submissions 1 to 31 of 77:

Labcorp Genetics (formerly Invitae), Labcorp
Classification: Benign. Last evaluated: 2026-02-03. Review status: criteria provided, single submitter. Criteria: Invitae Variant Classification Sherloc (09022015). Collection method: clinical testing. Allele origin: germline.

Genome-Nilou Lab
Classification: Benign for Infantile liver failure syndrome 3. Last evaluated: 2021-11-07. Review status: criteria provided, single submitter. Criteria: ACMG Guidelines, 2015. Collection method: clinical testing. Allele origin: germline. Affected: no.

Laboratory for Molecular Medicine, Mass General Brigham Personalized Medicine
Classification: Benign. Last evaluated: 2016-03-29. Review status: criteria provided, single submitter. Criteria: LMM Criteria. Collection method: clinical testing. Allele origin: germline.
Comment: Variant identified in a genome or exome case(s) and assessed due to predicted null impact of the variant or pathogenic assertions in the literature or databases. Disclaimer: This variant has not undergone full assessment. The following are preliminary notes: Frequency

Breakthrough Genomics
Classification: Benign. Review status: criteria provided, single submitter. Criteria: ACMG Guidelines, 2015. Collection method: not provided. Allele origin: germline. Inheritance: Autosomal recessive inheritance. Affected: yes.

Dr. Peter K. Rogan Lab, Western University
No classification provided (evidence only). Condition: Acute myeloid leukemia. Review status: no classification provided. Collection method: in vitro. Allele origin: not applicable. Functional consequence: retained intron. Not counted in ClinVar's aggregate classification.

Dr. Peter K. Rogan Lab, Western University
No classification provided (evidence only). Condition: Acute myeloid leukemia. Review status: no classification provided. Collection method: in vitro. Allele origin: not applicable. Functional consequence: retained intron. Not counted in ClinVar's aggregate classification.

Dr. Peter K. Rogan Lab, Western University
No classification provided (evidence only). Condition: Acute myeloid leukemia. Review status: no classification provided. Collection method: in vitro. Allele origin: not applicable. Functional consequence: retained intron. Not counted in ClinVar's aggregate classification.

Dr. Peter K. Rogan Lab, Western University
No classification provided (evidence only). Condition: Acute myeloid leukemia. Review status: no classification provided. Collection method: in vitro. Allele origin: not applicable. Functional consequence: retained intron. Not counted in ClinVar's aggregate classification.

Dr. Peter K. Rogan Lab, Western University
No classification provided (evidence only). Condition: Acute myeloid leukemia. Review status: no classification provided. Collection method: in vitro. Allele origin: not applicable. Functional consequence: retained intron. Not counted in ClinVar's aggregate classification.

Dr. Peter K. Rogan Lab, Western University
No classification provided (evidence only). Condition: Acute myeloid leukemia. Review status: no classification provided. Collection method: in vitro. Allele origin: not applicable. Functional consequence: retained intron. Not counted in ClinVar's aggregate classification.

Dr. Peter K. Rogan Lab, Western University
No classification provided (evidence only). Condition: Acute myeloid leukemia. Review status: no classification provided. Collection method: in vitro. Allele origin: not applicable. Functional consequence: retained intron. Not counted in ClinVar's aggregate classification.

Dr. Peter K. Rogan Lab, Western University
No classification provided (evidence only). Condition: Acute myeloid leukemia. Review status: no classification provided. Collection method: in vitro. Allele origin: not applicable. Functional consequence: retained intron. Not counted in ClinVar's aggregate classification.

Dr. Peter K. Rogan Lab, Western University
No classification provided (evidence only). Condition: Acute myeloid leukemia. Review status: no classification provided. Collection method: in vitro. Allele origin: not applicable. Functional consequence: retained intron. Not counted in ClinVar's aggregate classification.

Dr. Peter K. Rogan Lab, Western University
No classification provided (evidence only). Condition: Acute myeloid leukemia. Review status: no classification provided. Collection method: in vitro. Allele origin: not applicable. Functional consequence: retained intron. Not counted in ClinVar's aggregate classification.

Dr. Peter K. Rogan Lab, Western University
No classification provided (evidence only). Condition: Acute myeloid leukemia. Review status: no classification provided. Collection method: in vitro. Allele origin: not applicable. Functional consequence: retained intron. Not counted in ClinVar's aggregate classification.

Dr. Peter K. Rogan Lab, Western University
No classification provided (evidence only). Condition: Acute myeloid leukemia. Review status: no classification provided. Collection method: in vitro. Allele origin: not applicable. Functional consequence: retained intron. Not counted in ClinVar's aggregate classification.

Dr. Peter K. Rogan Lab, Western University
No classification provided (evidence only). Condition: Malignant lymphoma, large B-cell, diffuse. Review status: no classification provided. Collection method: in vitro. Allele origin: not applicable. Functional consequence: retained intron. Not counted in ClinVar's aggregate classification.

Dr. Peter K. Rogan Lab, Western University
No classification provided (evidence only). Condition: Malignant lymphoma, large B-cell, diffuse. Review status: no classification provided. Collection method: in vitro. Allele origin: not applicable. Functional consequence: retained intron. Not counted in ClinVar's aggregate classification.

Dr. Peter K. Rogan Lab, Western University
No classification provided (evidence only). Condition: Malignant lymphoma, large B-cell, diffuse. Review status: no classification provided. Collection method: in vitro. Allele origin: not applicable. Functional consequence: retained intron. Not counted in ClinVar's aggregate classification.

Dr. Peter K. Rogan Lab, Western University
No classification provided (evidence only). Condition: Hepatocellular carcinoma. Review status: no classification provided. Collection method: in vitro. Allele origin: not applicable. Functional consequence: retained intron. Not counted in ClinVar's aggregate classification.

Dr. Peter K. Rogan Lab, Western University
No classification provided (evidence only). Condition: Thymoma. Review status: no classification provided. Collection method: in vitro. Allele origin: not applicable. Functional consequence: retained intron. Not counted in ClinVar's aggregate classification.

Dr. Peter K. Rogan Lab, Western University
No classification provided (evidence only). Condition: Thymoma. Review status: no classification provided. Collection method: in vitro. Allele origin: not applicable. Functional consequence: retained intron. Not counted in ClinVar's aggregate classification.

Dr. Peter K. Rogan Lab, Western University
No classification provided (evidence only). Condition: Thymoma. Review status: no classification provided. Collection method: in vitro. Allele origin: not applicable. Functional consequence: retained intron. Not counted in ClinVar's aggregate classification.

Dr. Peter K. Rogan Lab, Western University
No classification provided (evidence only). Condition: Thymoma. Review status: no classification provided. Collection method: in vitro. Allele origin: not applicable. Functional consequence: retained intron. Not counted in ClinVar's aggregate classification.

Dr. Peter K. Rogan Lab, Western University
No classification provided (evidence only). Condition: Thymoma. Review status: no classification provided. Collection method: in vitro. Allele origin: not applicable. Functional consequence: retained intron. Not counted in ClinVar's aggregate classification.

Dr. Peter K. Rogan Lab, Western University
No classification provided (evidence only). Condition: Uterine carcinosarcoma. Review status: no classification provided. Collection method: in vitro. Allele origin: not applicable. Functional consequence: retained intron. Not counted in ClinVar's aggregate classification.

Dr. Peter K. Rogan Lab, Western University
No classification provided (evidence only). Condition: Uterine carcinosarcoma. Review status: no classification provided. Collection method: in vitro. Allele origin: not applicable. Functional consequence: retained intron. Not counted in ClinVar's aggregate classification.

Dr. Peter K. Rogan Lab, Western University
No classification provided (evidence only). Condition: Uterine carcinosarcoma. Review status: no classification provided. Collection method: in vitro. Allele origin: not applicable. Functional consequence: retained intron. Not counted in ClinVar's aggregate classification.

Dr. Peter K. Rogan Lab, Western University
No classification provided (evidence only). Condition: Uveal melanoma. Review status: no classification provided. Collection method: in vitro. Allele origin: not applicable. Functional consequence: retained intron. Not counted in ClinVar's aggregate classification.

Dr. Peter K. Rogan Lab, Western University
No classification provided (evidence only). Condition: Uveal melanoma. Review status: no classification provided. Collection method: in vitro. Allele origin: not applicable. Functional consequence: retained intron. Not counted in ClinVar's aggregate classification.

Dr. Peter K. Rogan Lab, Western University
No classification provided (evidence only). Condition: Uveal melanoma. Review status: no classification provided. Collection method: in vitro. Allele origin: not applicable. Functional consequence: retained intron. Not counted in ClinVar's aggregate classification.

NM_001355526.2(EFCAB10):c.384-23T>G

Genes: EFCAB10 (EF-hand calcium binding domain 10; minus strand), RINT1 (RAD50 interactor 1; plus strand). Cytogenetic location: 7q22.3.
Variant type: single nucleotide variant.
Coding change: c.384-23T>G on transcript NM_001355526.2 (MANE Select); 23 bases into the intron before coding-DNA position 384, T replaced by G.
Molecular consequence: intron variant. On other transcripts: 3 prime UTR variant (1).
Genome position (GRCh38, 1-based): chr7:105,565,470, A>C on the plus strand (T>G on the coding strand, the complement: EFCAB10 is on the minus strand). VCF-style: chr7-105565470-A-C. GRCh37 (hg19) VCF-style: chr7-105205917-A-C.
Other names: c.*79T>G (NM_001355530.2); c.2067+13A>C (NM_021930.6); c.1044+13A>C (NM_001346600.2, NM_001346603.2); c.1143+13A>C (NM_001346601.2); c.1833+13A>C (NM_001346599.2); c.360-23T>G (NM_001355531.2).
Identifiers: ClinVar variation 403379 (VCV000403379.16), dbSNP rs864687, ClinGen allele CA4426853.